The following is an entry in ClinVar:

NM_000553.6(WRN):c.2555_2562del (p.Ile852fs)

Gene: WRN (WRN RecQ like helicase; plus strand). Cytogenetic location: 8p12.
Variant type: Deletion.
Coding change: c.2555_2562del on transcript NM_000553.6 (MANE Select); coding-DNA positions 2555 to 2562, 8 bases deleted (TTGGTAGA; older notation c.2555_2562delTTGGTAGA).
Protein change: p.Ile852fs; shifts the reading frame from isoleucine 852.
Molecular consequence: frameshift variant.
Genome position (GRCh38, 1-based): chr8:31,120,349-31,120,356, TTGGTAGA deleted; deleting any 8 consecutive bases within chr8:31,120,346-31,120,356 gives the same sequence; the c. name uses the placement nearest the transcript's 3' end. VCF-style (leftmost placement, unchanged base first): chr8-31120345-GAGATTGGT-G. GRCh37 (hg19) VCF-style: chr8-30977861-GAGATTGGT-G.
Other names: short protein forms I852fs.
Identifiers: ClinVar variation 2748435 (VCV002748435.3), dbSNP rs2535986673, ClinGen allele CA2697549807.

ClinVar aggregate classification (germline): Pathogenic (1 of 4 stars; one submission).

Conditions:
Werner syndrome (WRN). Identifiers: Orphanet 902, MedGen C0043119, MONDO:0010196, OMIM 277700.

Submission:

Labcorp Genetics (formerly Invitae), Labcorp
Classification: Pathogenic for Werner syndrome. Last evaluated: 2023-07-30. Review status: criteria provided, single submitter. Criteria: Invitae Variant Classification Sherloc (09022015). Collection method: clinical testing. Allele origin: germline.
Comment: This sequence change creates a premature translational stop signal (p.Ile852Serfs*4) in the WRN gene. It is expected to result in an absent or disrupted protein product. Loss-of-function variants in WRN are known to be pathogenic (PMID: 16673358). This variant is not present in population databases (gnomAD no frequency). This variant has not been reported in the literature in individuals affected with WRN-related conditions. For these reasons, this variant has been classified as Pathogenic.

Literature cited by the submitters: PubMed 16673358.